The following is an entry in ClinVar:

NM_002448.3(MSX1):c.371T>A (p.Leu124His)

Gene: MSX1 (msh homeobox 1; plus strand). Cytogenetic location: 4p16.2.
Variant type: single nucleotide variant.
Coding change: c.371T>A on transcript NM_002448.3 (MANE Select); coding-DNA position 371, T replaced by A.
Protein change: p.Leu124His; replaces leucine 124 with histidine.
Molecular consequence: missense variant.
Genome position (GRCh38, 1-based): chr4:4,860,270, T>A. VCF-style: chr4-4860270-T-A. GRCh37 (hg19) VCF-style: chr4-4861997-T-A.
Other names: short protein forms L124H.
Identifiers: ClinVar variation 3019724 (VCV003019724.3), dbSNP rs764296833, ClinGen allele CA2832953.

ClinVar aggregate classification (germline): Uncertain significance (1 of 4 stars; one submission).

Conditions:
Hypoplastic enamel-onycholysis-hypohidrosis syndrome (TNS). Also called: Tooth-and-Nail Syndrome; ECTODERMAL DYSPLASIA 3, WITKOP TYPE; WITKOP SYNDROME; ECTODERMAL DYSPLASIA 3, TOOTH/NAIL TYPE; NAIL DYSPLASIA WITH HYPODONTIA. Identifiers: Orphanet 2228, MedGen C0406735, MONDO:0008582, OMIM 189500.

Allele frequency attached by ClinVar (database versions not stated): gnomAD exomes below 0.00001; gnomAD 0.00001; ExAC 0.00002; TOPMed 0.00002.

Submission:

Labcorp Genetics (formerly Invitae), Labcorp
Classification: Uncertain significance for Hypoplastic enamel-onycholysis-hypohidrosis syndrome. Last evaluated: 2022-11-26. Review status: criteria provided, single submitter. Criteria: Invitae Variant Classification Sherloc (09022015). Collection method: clinical testing. Allele origin: germline.
Comment: This sequence change replaces leucine, which is neutral and non-polar, with histidine, which is basic and polar, at codon 124 of the MSX1 protein (p.Leu124His). The frequency data for this variant in the population databases is considered unreliable, as metrics indicate poor data quality at this position in the gnomAD database. This variant has not been reported in the literature in individuals affected with MSX1-related conditions. Advanced modeling of protein sequence and biophysical properties (such as structural, functional, and spatial information, amino acid conservation, physicochemical variation, residue mobility, and thermodynamic stability) performed at Invitae indicates that this missense variant is not expected to disrupt MSX1 protein function. In summary, the available evidence is currently insufficient to determine the role of this variant in disease. Therefore, it has been classified as a Variant of Uncertain Significance.